The following is an entry in ClinVar:

NM_000098.3(CPT2):c.584T>G (p.Val195Gly)

Gene: CPT2 (carnitine palmitoyltransferase 2; plus strand). Cytogenetic location: 1p32.3.
Variant type: single nucleotide variant.
Coding change: c.584T>G on transcript NM_000098.3 (MANE Select); coding-DNA position 584, T replaced by G.
Protein change: p.Val195Gly; replaces valine 195 with glycine.
Molecular consequence: missense variant.
Genome position (GRCh38, 1-based): chr1:53,210,258, T>G. VCF-style: chr1-53210258-T-G. GRCh37 (hg19) VCF-style: chr1-53675930-T-G.
Other names: c.584T>G, p.Val195Gly (NM_001330589.2); short protein forms V195G.
Identifiers: ClinVar variation 1462410 (VCV001462410.8), dbSNP rs2100272140, ClinGen allele CA340392778.

ClinVar aggregate classification (germline): Uncertain significance (1 of 4 stars; one submission).

Conditions:
Carnitine palmitoyltransferase II deficiency. Also called: Carnitine Palmitoyltransferase 2 Deficiency. Identifiers: Orphanet 157, MedGen C0342790, MONDO:0015515.

Submission:

Labcorp Genetics (formerly Invitae), Labcorp
Classification: Uncertain significance for Carnitine palmitoyltransferase II deficiency. Last evaluated: 2021-06-19. Review status: criteria provided, single submitter. Criteria: Invitae Variant Classification Sherloc (09022015). Collection method: clinical testing. Allele origin: germline.
Comment: In summary, the available evidence is currently insufficient to determine the role of this variant in disease. Therefore, it has been classified as a Variant of Uncertain Significance. Advanced modeling of protein sequence and biophysical properties (such as structural, functional, and spatial information, amino acid conservation, physicochemical variation, residue mobility, and thermodynamic stability) performed at Invitae indicates that this missense variant is not expected to disrupt CPT2 protein function. This variant has not been reported in the literature in individuals with CPT2-related conditions. This variant is not present in population databases (ExAC no frequency). This sequence change replaces valine with glycine at codon 195 of the CPT2 protein (p.Val195Gly). The valine residue is highly conserved and there is a moderate physicochemical difference between valine and glycine.